The following is an entry in ClinVar:

ClinVar aggregate classification (germline): Uncertain significance (1 of 4 stars; one submission).

gnomAD v4.1: 8 of 1,614,028 alleles (0.0005%); highest among the groups gnomAD compares: Non-Finnish European, 0.00068%; no homozygotes.

Submission:

GeneDx
Classification: Uncertain significance. Last evaluated: 2024-12-17. Review status: criteria provided, single submitter. Criteria: GeneDx Variant Classification Process June 2021. Collection method: clinical testing. Allele origin: germline. Affected: yes.
Comment: Not observed at significant frequency in large population cohorts (gnomAD); In silico analysis supports that this missense variant has a deleterious effect on protein structure/function; Has not been previously published as pathogenic or benign to our knowledge

NM_139318.5(KCNH5):c.1955T>C (p.Phe652Ser)

Gene: KCNH5 (potassium voltage-gated channel subfamily H member 5; minus strand). Cytogenetic location: 14q23.2.
Variant type: single nucleotide variant.
Coding change: c.1955T>C on transcript NM_139318.5 (MANE Select); coding-DNA position 1955, T replaced by C.
Protein change: p.Phe652Ser; replaces phenylalanine 652 with serine.
Molecular consequence: missense variant. On other transcripts: intron variant (1).
Genome position (GRCh38, 1-based): chr14:62,779,792, A>G on the plus strand (T>C on the coding strand, the complement: KCNH5 is on the minus strand). VCF-style: chr14-62779792-A-G. GRCh37 (hg19) VCF-style: chr14-63246510-A-G.
Other names: c.1822+22537T>C (NM_172375.3); short protein forms F652S.
Identifiers: ClinVar variation 3906766 (VCV003906766.1).
Genomic context (GRCh38, chr14:62,779,792, plus strand): 5'-TTCCTCAGATTGCAAGTAAGAGTGAGATTCCTTGAGAAGGAGTTTGCAAAAGCTGTATAA[A>G]AGTCCAGGACTTTGAGCAAGGCTTCCCGCTTGATGATGTGTAGGTCACAGTACGTCAGTG-3'
Protein context (NP_647479.2, residues 642-662): KREALLKVLD[Phe652Ser]YTAFANSFSR